The following is an entry in ClinVar:

NM_033026.6(PCLO):c.12551T>C (p.Leu4184Pro)

Gene: PCLO (piccolo presynaptic cytomatrix protein; minus strand). Cytogenetic location: 7q21.11.
Variant type: single nucleotide variant.
Coding change: c.12551T>C on transcript NM_033026.6 (MANE Select); coding-DNA position 12551, T replaced by C.
Protein change: p.Leu4184Pro; replaces leucine 4184 with proline.
Molecular consequence: missense variant.
Genome position (GRCh38, 1-based): chr7:82,915,435, A>G on the plus strand (T>C on the coding strand, the complement: PCLO is on the minus strand). VCF-style: chr7-82915435-A-G. GRCh37 (hg19) VCF-style: chr7-82544751-A-G.
Other names: c.12551T>C, p.Leu4184Pro (NM_014510.3); short protein forms L4184P.
Identifiers: ClinVar variation 1941565 (VCV001941565.2), dbSNP rs756155036, ClinGen allele CA161121135.
Genomic context (GRCh38, chr7:82,915,435, plus strand): 5'-GAAAATTTTGACATTTTAGGGTCAATTAGTGATTTCTTATGCTTTGACTGCTTTTGATAA[A>G]GTATGGCTGCTGGCAGTTGTTTTGCTGCTTGTTTTTCAAGTGTGAGTCTACTGATGCTAT-3'
Protein context (NP_149015.2, residues 4174-4194): QAAKQLPAAI[Leu4184Pro]YQKQSKHKKS

ClinVar aggregate classification (germline): Uncertain significance (1 of 4 stars; one submission).

Allele frequency attached by ClinVar (database versions not stated): gnomAD exomes below 0.00001.
gnomAD v4.1: 3 of 1,613,602 alleles (0.00019%); highest among the groups gnomAD compares: Non-Finnish European, 0.00025%; no homozygotes.

Submission:

Labcorp Genetics (formerly Invitae), Labcorp
Classification: Uncertain significance. Last evaluated: 2022-07-18. Review status: criteria provided, single submitter. Criteria: Invitae Variant Classification Sherloc (09022015). Collection method: clinical testing. Allele origin: germline.
Comment: This sequence change replaces leucine, which is neutral and non-polar, with proline, which is neutral and non-polar, at codon 4184 of the PCLO protein (p.Leu4184Pro). This variant is not present in population databases (gnomAD no frequency). This variant has not been reported in the literature in individuals affected with PCLO-related conditions. Algorithms developed to predict the effect of missense changes on protein structure and function are either unavailable or do not agree on the potential impact of this missense change (SIFT: "Deleterious"; PolyPhen-2: "Not Available"; Align-GVGD: "Class C0"). In summary, the available evidence is currently insufficient to determine the role of this variant in disease. Therefore, it has been classified as a Variant of Uncertain Significance.